The following is an entry in ClinVar:

ClinVar aggregate classification (germline): Uncertain significance (1 of 4 stars; one submission).

Allele frequency attached by ClinVar (database versions not stated): gnomAD exomes 0.00001; TOPMed 0.00001; ExAC 0.00002; ESP Exome Variant Server 0.00008.
gnomAD v4.1: 16 of 1,614,228 alleles (0.00099%); highest among the groups gnomAD compares: Admixed American, 0.005%; no homozygotes.

Submission:

Labcorp Genetics (formerly Invitae), Labcorp
Classification: Uncertain significance. Last evaluated: 2024-05-07. Review status: criteria provided, single submitter. Criteria: Invitae Variant Classification Sherloc (09022015). Collection method: clinical testing. Allele origin: germline.
Comment: This sequence change replaces leucine, which is neutral and non-polar, with proline, which is neutral and non-polar, at codon 177 of the PIGC protein (p.Leu177Pro). This variant is present in population databases (rs372409223, gnomAD 0.009%). This variant has not been reported in the literature in individuals affected with PIGC-related conditions. ClinVar contains an entry for this variant (Variation ID: 1924079). Advanced modeling of protein sequence and biophysical properties (such as structural, functional, and spatial information, amino acid conservation, physicochemical variation, residue mobility, and thermodynamic stability) performed at Invitae indicates that this missense variant is expected to disrupt PIGC protein function with a positive predictive value of 80%. In summary, the available evidence is currently insufficient to determine the role of this variant in disease. Therefore, it has been classified as a Variant of Uncertain Significance.

NM_153747.2(PIGC):c.530T>C (p.Leu177Pro)

Genes: C1orf105 (chromosome 1 open reading frame 105; plus strand), PIGC (phosphatidylinositol glycan anchor biosynthesis class C; minus strand). Cytogenetic location: 1q24.3.
Variant type: single nucleotide variant.
Coding change: c.530T>C on transcript NM_153747.2 (MANE Select); coding-DNA position 530, T replaced by C.
Protein change: p.Leu177Pro; replaces leucine 177 with proline.
Molecular consequence: missense variant. On other transcripts: intron variant (1).
Genome position (GRCh38, 1-based): chr1:172,442,093, A>G on the plus strand (T>C on the coding strand, the complement: PIGC is on the minus strand). VCF-style: chr1-172442093-A-G. GRCh37 (hg19) VCF-style: chr1-172411233-A-G.
Other names: c.530T>C, p.Leu177Pro (NM_002642.4); c.22-2980A>G (NM_139240.4); short protein forms L177P.
Identifiers: ClinVar variation 1924079 (VCV001924079.4), dbSNP rs372409223, ClinGen allele CA1245960.
Genomic context (GRCh38, chr1:172,442,093, plus strand): 5'-AGGGACCGGGGAAGACGTGATGCCAAGCATACAGAAGCAAAGATGGCCATGTTCAAGGAT[A>G]GTGTGCTGGATACAATGGCAGCATTGGCACCATAGTCAAAAAAGATGAGATGGCCTAACA-3'
Protein context (NP_714969.1, residues 167-187): GANAAIVSST[Leu177Pro]SLNMAIFASV